The following is an entry in ClinVar:

ClinVar aggregate classification (germline): Uncertain significance (1 of 4 stars; one submission).

Conditions:
Early-infantile DEE. Also called: Early infantile epileptic encephalopathy with suppression bursts; Early infantile epileptic encephalopathy; Ohtahara syndrome. Identifiers: Orphanet 1934, MedGen C0393706, MONDO:0800491.

Submission:

Labcorp Genetics (formerly Invitae), Labcorp
Classification: Uncertain significance for Early-infantile DEE. Last evaluated: 2025-06-24. Review status: criteria provided, single submitter. Criteria: Invitae Variant Classification Sherloc (09022015). Collection method: clinical testing. Allele origin: germline.
Comment: This sequence change replaces alanine, which is neutral and non-polar, with valine, which is neutral and non-polar, at codon 963 of the SCN1A protein (p.Ala963Val). This variant is not present in population databases (gnomAD no frequency). This missense change has been observed in individual(s) with clinical features of SCN1A-related conditions (internal data). Invitae Evidence Modeling of protein sequence and biophysical properties (such as structural, functional, and spatial information, amino acid conservation, physicochemical variation, residue mobility, and thermodynamic stability) indicates that this missense variant is expected to disrupt SCN1A protein function with a positive predictive value of 95%. In summary, the available evidence is currently insufficient to determine the role of this variant in disease. Therefore, it has been classified as a Variant of Uncertain Significance.

NM_001165963.4(SCN1A):c.2888C>T (p.Ala963Val)

Gene: SCN1A (sodium voltage-gated channel alpha subunit 1; minus strand). Cytogenetic location: 2q24.3.
Variant type: single nucleotide variant.
Coding change: c.2888C>T on transcript NM_001165963.4 (MANE Select); coding-DNA position 2888, C replaced by T.
Protein change: p.Ala963Val; replaces alanine 963 with valine.
Molecular consequence: missense variant. On other transcripts: non-coding transcript variant (1).
Genome position (GRCh38, 1-based): chr2:166,037,834, G>A on the plus strand (C>T on the coding strand, the complement: SCN1A is on the minus strand). VCF-style: chr2-166037834-G-A. GRCh37 (hg19) VCF-style: chr2-166894344-G-A.
Other names: c.2804C>T, p.Ala935Val (NM_001165964.3, NM_001353957.2, NM_001353958.2); c.2888C>T, p.Ala963Val (NM_001202435.3, NM_001353948.2); c.2855C>T, p.Ala952Val (NM_001353949.2, NM_001353950.2, NM_001353951.2 and 2 more transcripts); c.2852C>T, p.Ala951Val (NM_001353954.2, NM_001353955.2); c.2801C>T, p.Ala934Val (NM_001353960.2); c.446C>T, p.Ala149Val (NM_001353961.2); short protein forms A952V, A951V, A149V, A934V, A935V, A963V.
Identifiers: ClinVar variation 4701751 (VCV004701751.1).
Genomic context (GRCh38, chr2:166,037,834, plus strand): 5'-ACCACTAGGTTTCCAATCACCATGACCATCATGAAGACAGTAAGGCACATGGCTTGACCA[G>A]CAACCTCCATACAGTCCCACATGGTCTCTATCCACTCCCCACACAGCACGCGGAACACAA-3'
Protein context (NP_001159435.1, residues 953-973): IETMWDCMEV[Ala963Val]GQAMCLTVFM